The following is an entry in ClinVar:

NM_000405.5(GM2A):c.512A>T (p.Glu171Val)

Gene: GM2A (ganglioside GM2 activator; plus strand). Cytogenetic location: 5q33.1.
Variant type: single nucleotide variant.
Coding change: c.512A>T on transcript NM_000405.5 (MANE Select); coding-DNA position 512, A replaced by T.
Protein change: p.Glu171Val; replaces glutamic acid 171 with valine.
Molecular consequence: missense variant. On other transcripts: intron variant (1).
Genome position (GRCh38, 1-based): chr5:151,267,381, A>T. VCF-style: chr5-151267381-A-T. GRCh37 (hg19) VCF-style: chr5-150646942-A-T.
Other names: c.413-111A>T (NM_001167607.3); short protein forms E171V.
Identifiers: ClinVar variation 2134123 (VCV002134123.4), dbSNP rs1437585756, ClinGen allele CA361808651.

ClinVar aggregate classification (germline): Uncertain significance (1 of 4 stars; one submission).

Conditions:
Tay-Sachs disease, variant AB. Also called: GM2 Activator Deficiency; Gm2-gangliosidosis, ab variant. Identifiers: Orphanet 309246, MedGen C0268275, MONDO:0010099, OMIM 272750.

Allele frequency attached by ClinVar (database versions not stated): gnomAD exomes below 0.00001; gnomAD 0.00001.
gnomAD v4.1: 2 of 1,613,970 alleles (0.00012%); highest among the groups gnomAD compares: African/African-American, 0.0027%; no homozygotes.

Submission:

Labcorp Genetics (formerly Invitae), Labcorp
Classification: Uncertain significance for Tay-Sachs disease, variant AB. Last evaluated: 2022-05-05. Review status: criteria provided, single submitter. Criteria: Invitae Variant Classification Sherloc (09022015). Collection method: clinical testing. Allele origin: germline.
Comment: In summary, the available evidence is currently insufficient to determine the role of this variant in disease. Therefore, it has been classified as a Variant of Uncertain Significance. Algorithms developed to predict the effect of missense changes on protein structure and function (SIFT, PolyPhen-2, Align-GVGD) all suggest that this variant is likely to be tolerated. This variant has not been reported in the literature in individuals affected with GM2A-related conditions. This variant is present in population databases (no rsID available, gnomAD 0.008%). This sequence change replaces glutamic acid, which is acidic and polar, with valine, which is neutral and non-polar, at codon 171 of the GM2A protein (p.Glu171Val).